The following is an entry in ClinVar:

ClinVar aggregate classification (germline): Conflicting classifications of pathogenicity. Review status: criteria provided, conflicting classifications (1 of 4 stars). 2 submissions from 2 submitters: Uncertain significance (1); Likely benign (1). Last evaluated 2024-03-06.

Conditions:
Hereditary cancer-predisposing syndrome. Also called: Neoplastic Syndromes, Hereditary; Tumor predisposition; Hereditary Cancer Syndrome; Hereditary neoplastic syndrome. Identifiers: Orphanet 140162, MedGen C0027672, MeSH D009386, MONDO:0015356.

Allele frequency attached by ClinVar (database versions not stated): TOPMed below 0.00001.

Submissions (2):

Color Diagnostics, LLC DBA Color Health
Classification: Uncertain significance for Hereditary cancer-predisposing syndrome. Last evaluated: 2024-03-06. Review status: criteria provided, single submitter. Criteria: ACMG Guidelines, 2015. Collection method: clinical testing. Allele origin: germline.
Comment: This missense variant replaces alanine with glycine at codon 168 of the BARD1 protein. Computational prediction tool suggests that this variant may not impact protein structure and function (internally defined REVEL score threshold <=0.5, PMID: 27666373). Splice site prediction tools suggest that this variant may not impact RNA splicing. To our knowledge, functional studies have not been performed for this variant. This variant has not been reported in individuals affected with hereditary cancer in the literature. This variant has not been identified in the general population by the Genome Aggregation Database (gnomAD). The available evidence is insufficient to determine the role of this variant in disease conclusively. Therefore, this variant is classified as a Variant of Uncertain Significance.

Ambry Genetics
Classification: Likely benign for Hereditary cancer-predisposing syndrome. Last evaluated: 2024-02-26. Review status: criteria provided, single submitter. Criteria: Ambry Variant Classification Scheme 2023. Collection method: clinical testing. Allele origin: germline.

NM_000465.4(BARD1):c.503C>G (p.Ala168Gly)

Gene: BARD1 (BRCA1 associated RING domain 1; minus strand). Cytogenetic location: 2q35.
Variant type: single nucleotide variant.
Coding change: c.503C>G on transcript NM_000465.4 (MANE Select); coding-DNA position 503, C replaced by G.
Protein change: p.Ala168Gly; replaces alanine 168 with glycine.
Molecular consequence: missense variant. On other transcripts: non-coding transcript variant (2), intron variant (3).
Genome position (GRCh38, 1-based): chr2:214,781,371, G>C on the plus strand (C>G on the coding strand, the complement: BARD1 is on the minus strand). VCF-style: chr2-214781371-G-C. GRCh37 (hg19) VCF-style: chr2-215646095-G-C.
Other names: c.503C>G (NM_000465.2); c.446C>G, p.Ala149Gly (NM_001282543.2); c.158+28041C>G (NM_001282548.2); c.215+15690C>G (NM_001282545.2); c.364+10926C>G (NM_001282549.2); short protein forms A168G, A149G.
Identifiers: ClinVar variation 919270 (VCV000919270.6), dbSNP rs982408430, ClinGen allele CA64789105.
Genomic context (GRCh38, chr2:214,781,371, plus strand): 5'-GGAGGACTTGGGGAAACAAATTCATATGAGTCTTGCTGAGCACTTGCATCTTTTTTTATT[G>C]CAGGCTGGGTTTGCACTGAAGCTTTACTCACAACATATCTGACTTTCTTACTTCGAGGGC-3'
Protein context (NP_000456.2, residues 158-178): VSKASVQTQP[Ala168Gly]IKKDASAQQD